The following is an entry in ClinVar:

NM_001376.5(DYNC1H1):c.3804+14G>A

Gene: DYNC1H1 (dynein cytoplasmic 1 heavy chain 1; plus strand). Cytogenetic location: 14q32.31.
Variant type: single nucleotide variant.
Coding change: c.3804+14G>A on transcript NM_001376.5 (MANE Select); 14 bases into the intron after coding-DNA position 3804, G replaced by A.
Molecular consequence: intron variant.
Genome position (GRCh38, 1-based): chr14:101,997,288, G>A. VCF-style: chr14-101997288-G-A. GRCh37 (hg19) VCF-style: chr14-102463625-G-A.
Identifiers: ClinVar variation 509798 (VCV000509798.8), dbSNP rs748738577, ClinGen allele CA7352085.

ClinVar aggregate classification (germline): Likely benign. Review status: criteria provided, multiple submitters, no conflicts (2 of 4 stars). 2 submissions from 2 submitters: Likely benign (2). Last evaluated 2026-02-03.

Conditions:
Charcot-Marie-Tooth disease axonal type 2O. Also called: CHARCOT-MARIE-TOOTH NEUROPATHY, AXONAL, TYPE 2O; CHARCOT-MARIE-TOOTH DISEASE, AXONAL, AUTOSOMAL DOMINANT, TYPE 2O; Charcot-Marie-Tooth Neuropathy Type 2O; Charcot-Marie-Tooth disease, axonal, type 20. Identifiers: Orphanet 284232, MedGen C3280220, MONDO:0013644, OMIM 614228.

Allele frequency attached by ClinVar (database versions not stated): ExAC 0.00001; gnomAD exomes 0.00001 and 0.00002; TOPMed 0.00006; gnomAD 0.00007.
gnomAD v4.1: 17 of 1,613,960 alleles (0.0011%); highest among the groups gnomAD compares: African/African-American, 0.02%; no homozygotes.

Submissions (2):

Labcorp Genetics (formerly Invitae), Labcorp
Classification: Likely benign for Charcot-Marie-Tooth disease axonal type 2O. Last evaluated: 2026-02-03. Review status: criteria provided, single submitter. Criteria: Invitae Variant Classification Sherloc (09022015). Collection method: clinical testing. Allele origin: germline.

GeneDx
Classification: Likely benign. Last evaluated: 2017-06-01. Review status: criteria provided, single submitter. Criteria: GeneDx Variant Classification (06012015). Collection method: clinical testing. Allele origin: germline. Affected: yes.
Comment: This variant is considered likely benign or benign based on one or more of the following criteria: it is a conservative change, it occurs at a poorly conserved position in the protein, it is predicted to be benign by multiple in silico algorithms, and/or has population frequency not consistent with disease.